The following is an entry in ClinVar:

NM_001375524.1(TRRAP):c.9763C>T (p.Arg3255Cys)

Gene: TRRAP (transformation/transcription domain associated protein; plus strand). Cytogenetic location: 7q22.1.
Variant type: single nucleotide variant.
Coding change: c.9763C>T on transcript NM_001375524.1 (MANE Select); coding-DNA position 9763, C replaced by T.
Protein change: p.Arg3255Cys; replaces arginine 3255 with cysteine.
Molecular consequence: missense variant.
Genome position (GRCh38, 1-based): chr7:98,992,143, C>T. VCF-style: chr7-98992143-C-T. GRCh37 (hg19) VCF-style: chr7-98589766-C-T.
Other names: c.9775C>T, p.Arg3259Cys (NM_001244580.2); c.9688C>T, p.Arg3230Cys (NM_003496.4); short protein forms R3230C, R3255C, R3259C.
Identifiers: ClinVar variation 3242038 (VCV003242038.1), dbSNP rs2485004555.
Genomic context (GRCh38, chr7:98,992,143, plus strand): 5'-TATCCAGAGCTCAGCAGAGAGCAGCACTGTTTATAACATCTTGTCTCTGAGCAGGTTGGA[C>T]GCGTGTATCCCCAAGCGGTCTACTTTCCCATCCGGACCCTGTACCTGACCCTGAAAATAG-3'
Protein context (NP_001362453.1, residues 3245-3265): LLLNLISQVG[Arg3255Cys]VYPQAVYFPI

ClinVar aggregate classification (germline): Uncertain significance (1 of 4 stars; one submission).

Conditions:
Developmental delay with or without dysmorphic facies and autism. Identifiers: MedGen C5193106, MONDO:0032760, OMIM 618454.

Submission:

Neuberg Centre For Genomic Medicine, NCGM
Classification: Uncertain significance for Developmental delay with or without dysmorphic facies and autism. Review status: criteria provided, single submitter. Criteria: ACMG Guidelines, 2015. Collection method: clinical testing. Allele origin: germline. Inheritance: Autosomal dominant inheritance. Affected: yes.
Comment: The missense variant c.9763C>T (p.Arg3255Cys) in TRRAP gene has not been reported previously as a pathogenic variant nor as a benign variant, to our knowledge. This variant is absent in the gnomAD Exomes. The amino acid Arginine at position 3255 is changed to a Cysteine changing protein sequence and it might alter its composition and physico-chemical properties. The variant is predicted as damaging by SIFT. The residue is conserved by GERP++ and PhyloP across 100 vertebrates. For these reasons, this variant has been classified as Uncertain Significance.